The following is an entry in ClinVar:

NM_012330.4(KAT6B):c.2204C>T (p.Ser735Phe)

Gene: KAT6B (lysine acetyltransferase 6B; plus strand). Cytogenetic location: 10q22.2.
Variant type: single nucleotide variant.
Coding change: c.2204C>T on transcript NM_012330.4 (MANE Select); coding-DNA position 2204, C replaced by T.
Protein change: p.Ser735Phe; replaces serine 735 with phenylalanine.
Molecular consequence: missense variant. On other transcripts: intron variant (2).
Genome position (GRCh38, 1-based): chr10:74,979,312, C>T. VCF-style: chr10-74979312-C-T. GRCh37 (hg19) VCF-style: chr10-76739070-C-T.
Other names: c.1655C>T, p.Ser552Phe (NM_001256468.2, NM_001370138.1); c.1328C>T, p.Ser443Phe (NM_001256469.2, NM_001370132.1, NM_001370139.1 and 3 more transcripts); c.281C>T, p.Ser94Phe (NM_001370134.1); c.2204C>T, p.Ser735Phe (NM_001370136.1, NM_001370137.1); c.1139C>T, p.Ser380Phe (NM_001370143.1, NM_001370144.1); c.846+9537C>T (NM_001370133.1); c.193-9707C>T (NM_001370135.1); short protein forms S380F, S443F, S552F, S735F, S94F.
Identifiers: ClinVar variation 5020604 (VCV005020604.1).

ClinVar aggregate classification (germline): Uncertain significance (1 of 4 stars; one submission).

Submission:

Dasa
Classification: Uncertain significance. Last evaluated: 2026-05-07. Review status: criteria provided, single submitter. Criteria: DASA Assertion Criteria. Collection method: clinical testing. Allele origin: germline.
Comment: NM_012330.4(KAT6B):c.2204C>T (p.Ser735Phe) is a missense variant that results in the substitution of serine with phenylalanine. This variant is absent from population databases. The currently available literature and clinical evidence are not sufficient to establish a definitive association between this variant and the reported condition. Therefore, this variant is classified as a variant of uncertain significance.